The following is an entry in ClinVar:

ClinVar aggregate classification (germline): Uncertain significance (1 of 4 stars; one submission).

Submission:

Labcorp Genetics (formerly Invitae), Labcorp
Classification: Uncertain significance. Last evaluated: 2025-04-30. Review status: criteria provided, single submitter. Criteria: Invitae Variant Classification Sherloc (09022015). Collection method: clinical testing. Allele origin: germline.
Comment: This sequence change replaces proline, which is neutral and non-polar, with threonine, which is neutral and polar, at codon 719 of the HPS6 protein (p.Pro719Thr). This variant is not present in population databases (gnomAD no frequency). This variant has not been reported in the literature in individuals affected with HPS6-related conditions. Invitae Evidence Modeling of protein sequence and biophysical properties (such as structural, functional, and spatial information, amino acid conservation, physicochemical variation, residue mobility, and thermodynamic stability) indicates that this missense variant is not expected to disrupt HPS6 protein function with a negative predictive value of 80%. In summary, the available evidence is currently insufficient to determine the role of this variant in disease. Therefore, it has been classified as a Variant of Uncertain Significance.

NM_024747.6(HPS6):c.2155C>A (p.Pro719Thr)

Gene: HPS6 (HPS6 biogenesis of lysosomal organelles complex 2 subunit 3; plus strand). Cytogenetic location: 10q24.32.
Variant type: single nucleotide variant.
Coding change: c.2155C>A on transcript NM_024747.6 (MANE Select); coding-DNA position 2155, C replaced by A.
Protein change: p.Pro719Thr; replaces proline 719 with threonine.
Molecular consequence: missense variant.
Genome position (GRCh38, 1-based): chr10:102,067,629, C>A. VCF-style: chr10-102067629-C-A. GRCh37 (hg19) VCF-style: chr10-103827386-C-A.
Other names: short protein forms P719T.
Identifiers: ClinVar variation 4740280 (VCV004740280.1).